The following is an entry in ClinVar:

NM_001161352.2(KCNMA1):c.2283G>A (p.Pro761=)

Genes: KCNMA1-AS1 (KCNMA1 antisense RNA 1; plus strand), KCNMA1 (potassium calcium-activated channel subfamily M alpha 1; minus strand). Cytogenetic location: 10q22.3.
Variant type: single nucleotide variant.
Coding change: c.2283G>A on transcript NM_001161352.2 (MANE Select); coding-DNA position 2283, G replaced by A.
Protein change: p.Pro761=; no amino-acid change (proline 761 retained).
Molecular consequence: synonymous variant.
Genome position (GRCh38, 1-based): chr10:76,970,051, C>T on the plus strand (G>A on the coding strand, the complement: KCNMA1 is on the minus strand). VCF-style: chr10-76970051-C-T. GRCh37 (hg19) VCF-style: chr10-78729809-C-T.
Other names: c.2121G>A, p.Pro707= (NM_001014797.3, NM_001322835.2, NM_001322837.2); c.2109G>A, p.Pro703= (NM_001161353.2, NM_001322832.2, NM_002247.4); c.1959G>A, p.Pro653= (NM_001271518.2); c.2118G>A, p.Pro706= (NM_001271519.2, NM_001322829.2, NM_001322836.2); c.2130G>A, p.Pro710= (NM_001322830.2); c.1656G>A, p.Pro552= (NM_001322838.2).
Identifiers: ClinVar variation 300960 (VCV000300960.16), dbSNP rs377596790, ClinGen allele CA5568139.

ClinVar aggregate classification (germline): Conflicting classifications of pathogenicity. Review status: criteria provided, conflicting classifications (1 of 4 stars). 3 submissions from 3 submitters: Uncertain significance (1); Likely benign (1). 1 of the submissions does not count toward it. Last evaluated 2025-11-17.

Conditions:
KCNMA1-related disorder. Also called: KCNMA1-related disorders; KCNMA1-related condition.
Generalized epilepsy-paroxysmal dyskinesia syndrome (PNKD3). Also called: Paroxysmal nonkinesigenic dyskinesia, 3, with or without generalized epilepsy; Generalized epilepsy and paroxysmal dyskinesia. Identifiers: Orphanet 79137, MedGen C5574945, MONDO:0012276, OMIM 609446.

Allele frequency attached by ClinVar (database versions not stated): gnomAD exomes 0.00005; ESP Exome Variant Server 0.00008; TOPMed 0.00008; gnomAD 0.00009; 1000 Genomes Project 30x 0.00016; 1000 Genomes Project 0.00020.
gnomAD v4.1: 85 of 1,613,684 alleles (0.0053%); highest among the groups gnomAD compares: African/African-American, 0.027%; no homozygotes.

Submissions (3):

Labcorp Genetics (formerly Invitae), Labcorp
Classification: Likely benign for Generalized epilepsy-paroxysmal dyskinesia syndrome. Last evaluated: 2025-11-17. Review status: criteria provided, single submitter. Criteria: Invitae Variant Classification Sherloc (09022015). Collection method: clinical testing. Allele origin: germline.

Illumina Laboratory Services, Illumina
Classification: Uncertain significance for Generalized epilepsy-paroxysmal dyskinesia syndrome. Last evaluated: 2018-01-13. Review status: criteria provided, single submitter. Criteria: ICSL Variant Classification Criteria 13 December 2019. Collection method: clinical testing. Allele origin: germline.

PreventionGenetics, part of Exact Sciences
Classification: Likely benign for KCNMA1-related condition. Last evaluated: 2021-11-01. Review status: no assertion criteria provided. Collection method: clinical testing. Allele origin: germline. Not counted in ClinVar's aggregate classification.
Comment: This variant is classified as likely benign based on ACMG/AMP sequence variant interpretation guidelines (Richards et al. 2015 PMID: 25741868, with internal and published modifications).